The following is an entry in ClinVar:

ClinVar aggregate classification (germline): Uncertain significance (1 of 4 stars; one submission).

Conditions:
Emery-Dreifuss muscular dystrophy 5, autosomal dominant (EDMD5). Also called: EMERY-DREIFUSS MUSCULAR DYSTROPHY 5. Identifiers: Orphanet 261, MedGen C2751805, MONDO:0013072, OMIM 612999.

Allele frequency attached by ClinVar (database versions not stated): ExAC 0.00001; gnomAD 0.00001.
gnomAD v4.1: 1 of 1,614,090 alleles (0.000062%); highest among the groups gnomAD compares: Admixed American, 0.0017%; no homozygotes.

Submission:

Labcorp Genetics (formerly Invitae), Labcorp
Classification: Uncertain significance for Emery-Dreifuss muscular dystrophy 5, autosomal dominant. Last evaluated: 2022-06-13. Review status: criteria provided, single submitter. Criteria: Invitae Variant Classification Sherloc (09022015). Collection method: clinical testing. Allele origin: germline.
Comment: Algorithms developed to predict the effect of missense changes on protein structure and function are either unavailable or do not agree on the potential impact of this missense change (SIFT: "Deleterious"; PolyPhen-2: "Possibly Damaging"; Align-GVGD: "Class C0"). Algorithms developed to predict the effect of sequence changes on RNA splicing suggest that this variant may create or strengthen a splice site. In summary, the available evidence is currently insufficient to determine the role of this variant in disease. Therefore, it has been classified as a Variant of Uncertain Significance. ClinVar contains an entry for this variant (Variation ID: 1005168). This sequence change replaces glutamic acid, which is acidic and polar, with valine, which is neutral and non-polar, at codon 2352 of the SYNE2 protein (p.Glu2352Val). This variant is present in population databases (rs752190689, gnomAD no frequency). This variant has not been reported in the literature in individuals affected with SYNE2-related conditions.

NM_182914.3(SYNE2):c.7055A>T (p.Glu2352Val)

Gene: SYNE2 (spectrin repeat containing nuclear envelope protein 2; plus strand). Cytogenetic location: 14q23.2.
Variant type: single nucleotide variant.
Coding change: c.7055A>T on transcript NM_182914.3 (MANE Select); coding-DNA position 7055, A replaced by T.
Protein change: p.Glu2352Val; replaces glutamic acid 2352 with valine.
Molecular consequence: missense variant.
Genome position (GRCh38, 1-based): chr14:64,031,191, A>T. VCF-style: chr14-64031191-A-T. GRCh37 (hg19) VCF-style: chr14-64497909-A-T.
Other names: c.7055A>T, p.Glu2352Val (NM_015180.6); short protein forms E2352V.
Identifiers: ClinVar variation 1005168 (VCV001005168.10), dbSNP rs752190689, ClinGen allele CA7220841.